The following is an entry in ClinVar:

NM_001283.5(AP1S1):c.359G>C (p.Gly120Ala)

Gene: AP1S1 (adaptor related protein complex 1 subunit sigma 1; plus strand). Cytogenetic location: 7q22.1.
Variant type: single nucleotide variant.
Coding change: c.359G>C on transcript NM_001283.5 (MANE Select); coding-DNA position 359, G replaced by C.
Protein change: p.Gly120Ala; replaces glycine 120 with alanine.
Molecular consequence: missense variant.
Genome position (GRCh38, 1-based): chr7:101,159,126, G>C. VCF-style: chr7-101159126-G-C. GRCh37 (hg19) VCF-style: chr7-100802407-G-C.
Other names: short protein forms G120A.
Identifiers: ClinVar variation 945612 (VCV000945612.8), dbSNP rs200310743, ClinGen allele CA4405991.
Genomic context (GRCh38, chr7:101,159,126, plus strand): 5'-AGCTGGACATCATCTTCAACTTTGAGAAGGCCTACTTCATCCTGGATGAGTTTTTGATGG[G>C]GGGGGATGTCCAGGACACCTCCAAGAAGAGTGTGCTGAAAGCCATCGAGCAGGCTGACCT-3'
Protein context (NP_001274.1, residues 110-130): AYFILDEFLM[Gly120Ala]GDVQDTSKKS

ClinVar aggregate classification (germline): Conflicting classifications of pathogenicity. Review status: criteria provided, conflicting classifications (1 of 4 stars). 2 submissions from 2 submitters: Uncertain significance (1); Likely benign (1). Last evaluated 2022-09-14.

Conditions:
Inborn genetic diseases. Identifiers: MedGen C0950123, MeSH D030342.

Allele frequency attached by ClinVar (database versions not stated): gnomAD 0.00010 and 0.00011; gnomAD exomes 0.00012; TOPMed 0.00013; ExAC 0.00015; 1000 Genomes Project 30x 0.00016; 1000 Genomes Project 0.00020; ESP Exome Variant Server 0.00032.
gnomAD v4.1: 286 of 1,613,814 alleles (0.018%); highest among the groups gnomAD compares: Non-Finnish European, 0.022%; no homozygotes.

Submissions (2):

Ambry Genetics
Classification: Likely benign for Inborn genetic diseases. Last evaluated: 2022-09-14. Review status: criteria provided, single submitter. Criteria: Ambry Variant Classification Scheme 2023. Collection method: clinical testing. Allele origin: germline.

Labcorp Genetics (formerly Invitae), Labcorp
Classification: Uncertain significance. Last evaluated: 2021-08-26. Review status: criteria provided, single submitter. Criteria: Invitae Variant Classification Sherloc (09022015). Collection method: clinical testing. Allele origin: germline.
Comment: This sequence change replaces glycine with alanine at codon 120 of the AP1S1 protein (p.Gly120Ala). The glycine residue is moderately conserved and there is a small physicochemical difference between glycine and alanine. This variant is present in population databases (rs200310743, ExAC 0.02%). This variant has not been reported in the literature in individuals affected with AP1S1-related conditions. Algorithms developed to predict the effect of missense changes on protein structure and function (SIFT, PolyPhen-2, Align-GVGD) all suggest that this variant is likely to be tolerated. In summary, the available evidence is currently insufficient to determine the role of this variant in disease. Therefore, it has been classified as a Variant of Uncertain Significance.